The following is an entry in ClinVar:

NM_181332.3(NLGN4X):c.482A>T (p.Asp161Val)

Gene: NLGN4X (neuroligin 4 X-linked; minus strand). Cytogenetic location: Xp22.32.
Variant type: single nucleotide variant.
Coding change: c.482A>T on transcript NM_181332.3 (MANE Select); coding-DNA position 482, A replaced by T.
Protein change: p.Asp161Val; replaces aspartic acid 161 with valine.
Molecular consequence: missense variant.
Genome position (GRCh38, 1-based): chrX:6,029,423, T>A on the plus strand (A>T on the coding strand, the complement: NLGN4X is on the minus strand). VCF-style: chrX-6029423-T-A. GRCh37 (hg19) VCF-style: chrX-5947464-T-A.
Other names: c.482A>T, p.Asp161Val (NM_001282145.2, NM_001282146.2, NM_001441322.1 and 4 more transcripts); short protein forms D161V.
Identifiers: ClinVar variation 4976490 (VCV004976490.1).

ClinVar aggregate classification (germline): Uncertain significance (1 of 4 stars; one submission).

Submission:

GeneDx
Classification: Uncertain significance. Last evaluated: 2026-02-12. Review status: criteria provided, single submitter. Criteria: GeneDx Variant Classification Process June 2021. Collection method: clinical testing. Allele origin: germline.
Comment: Not observed at significant frequency in large population cohorts (gnomAD); In silico analysis supports that this missense variant has a deleterious effect on protein structure/function; Has not been previously published as pathogenic or benign to our knowledge